The following is an entry in ClinVar:

NM_001365276.2(TNXB):c.9280T>G (p.Tyr3094Asp)

Gene: TNXB (tenascin XB; minus strand). Cytogenetic location: 6p21.33.
Variant type: single nucleotide variant.
Coding change: c.9280T>G on transcript NM_001365276.2 (MANE Select); coding-DNA position 9280, T replaced by G.
Protein change: p.Tyr3094Asp; replaces tyrosine 3094 with aspartic acid.
Molecular consequence: missense variant.
Genome position (GRCh38, 1-based): chr6:32,050,157, A>C on the plus strand (T>G on the coding strand, the complement: TNXB is on the minus strand). VCF-style: chr6-32050157-A-C. GRCh37 (hg19) VCF-style: chr6-32017934-A-C.
Other names: c.10021T>G, p.Tyr3341Asp (NM_001428335.1); c.9274T>G, p.Tyr3092Asp (NM_019105.8); short protein forms Y3092D, Y3094D, Y3341D.
Identifiers: ClinVar variation 3227354 (VCV003227354.1), dbSNP rs2483431692, ClinGen allele CA363540791.
Genomic context (GRCh38, chr6:32,050,157, plus strand): 5'-TGACCCCGTCCTCGTGCCCCGGCACCCGCACCGCCTTGGGCTGCCCATCCCCATTCCTGT[A>C]CTGGACCAGGAAGTGGTCAAACTGGCCCTCGGGAACCATCCAGGACAGGCTGAGGGAGTC-3'
Protein context (NP_001352205.1, residues 3084-3104): EGQFDHFLVQ[Tyr3094Asp]RNGDGQPKAV

ClinVar aggregate classification (germline): Uncertain significance (1 of 4 stars; one submission).

Conditions:
Cardiovascular phenotype. Identifiers: MedGen CN230736.

Submission:

Ambry Genetics
Classification: Uncertain significance for Cardiovascular phenotype. Last evaluated: 2023-12-12. Review status: criteria provided, single submitter. Criteria: Ambry Variant Classification Scheme 2023. Collection method: clinical testing. Allele origin: germline.
Comment: The p.Y3092D variant (also known as c.9274T>G), located in coding exon 26 of the TNXB gene, results from a T to G substitution at nucleotide position 9274. The tyrosine at codon 3092 is replaced by aspartic acid, an amino acid with highly dissimilar properties. This amino acid position is conserved. In addition, the in silico prediction for this alteration is inconclusive. Since supporting evidence is limited at this time, the clinical significance of this alteration remains unclear.